The following is an entry in ClinVar:

NM_005732.4(RAD50):c.3067_3070del (p.Leu1022_Thr1023insTer)

Gene: RAD50 (RAD50 double strand break repair protein; plus strand). Cytogenetic location: 5q31.1.
Variant type: Deletion.
Coding change: c.3067_3070del on transcript NM_005732.4 (MANE Select); coding-DNA positions 3067 to 3070, 4 bases deleted (ACTT; older notation c.3067_3070delACTT).
Protein change: p.Leu1022_Thr1023insTer.
Molecular consequence: nonsense.
Genome position (GRCh38, 1-based): chr5:132,616,033-132,616,036, ACTT deleted; deleting any 4 consecutive bases within chr5:132,616,030-132,616,036 gives the same sequence; the c. name uses the placement nearest the transcript's 3' end. VCF-style (leftmost placement, unchanged base first): chr5-132616029-CCTTA-C. GRCh37 (hg19) VCF-style: chr5-131951721-CCTTA-C.
Identifiers: ClinVar variation 457433 (VCV000457433.11), dbSNP rs1554099781, ClinGen allele CA658657532.

ClinVar aggregate classification (germline): Pathogenic. Review status: criteria provided, multiple submitters, no conflicts (2 of 4 stars). 2 submissions from 2 submitters: Pathogenic (2). Last evaluated 2023-03-31.

Conditions:
Hereditary cancer-predisposing syndrome. Also called: Neoplastic Syndromes, Hereditary; Tumor predisposition; Hereditary Cancer Syndrome; Hereditary neoplastic syndrome. Identifiers: Orphanet 140162, MedGen C0027672, MeSH D009386, MONDO:0015356.

Submissions (2):

Labcorp Genetics (formerly Invitae), Labcorp
Classification: Pathogenic for Hereditary cancer-predisposing syndrome. Last evaluated: 2023-03-31. Review status: criteria provided, single submitter. Criteria: Invitae Variant Classification Sherloc (09022015). Collection method: clinical testing. Allele origin: germline.
Comment: This variant is not present in population databases (gnomAD no frequency). This variant has not been reported in the literature in individuals affected with RAD50-related conditions. ClinVar contains an entry for this variant (Variation ID: 457433). For these reasons, this variant has been classified as Pathogenic. This sequence change creates a premature translational stop signal (p.Thr1023*) in the RAD50 gene. It is expected to result in an absent or disrupted protein product. Loss-of-function variants in RAD50 are known to be pathogenic (PMID: 19409520).

Ambry Genetics
Classification: Pathogenic for Hereditary cancer-predisposing syndrome. Last evaluated: 2018-08-30. Review status: criteria provided, single submitter. Criteria: Ambry Variant Classification Scheme 2023. Collection method: clinical testing. Allele origin: germline.
Comment: The c.3067_3070delACTT pathogenic mutation, located in coding exon 20 of the RAD50 gene, results from a deletion of 4 nucleotides (ACTT) at nucleotide positions 3067 to 3070. This changes the amino acid from a threonine to a stop codon within coding exon 20 (p.T1023*). This alteration is expected to result in loss of function by premature protein truncation or nonsense-mediated mRNA decay. As such, this alteration is interpreted as a disease-causing mutation.

Literature cited by the submitters: PubMed 19409520 (cited by Labcorp Genetics (formerly Invitae), Labcorp).